The following is an entry in ClinVar:

NM_000092.5(COL4A4):c.948T>A (p.Tyr316Ter)

Gene: COL4A4 (collagen type IV alpha 4 chain; minus strand). Cytogenetic location: 2q36.3.
Variant type: single nucleotide variant.
Coding change: c.948T>A on transcript NM_000092.5 (MANE Select); coding-DNA position 948, T replaced by A.
Protein change: p.Tyr316Ter; replaces tyrosine 316 with a stop codon.
Molecular consequence: nonsense.
Genome position (GRCh38, 1-based): chr2:227,101,892, A>T on the plus strand (T>A on the coding strand, the complement: COL4A4 is on the minus strand). VCF-style: chr2-227101892-A-T. GRCh37 (hg19) VCF-style: chr2-227966608-A-T.
Other names: short protein forms Y316*.
Identifiers: ClinVar variation 984172 (VCV000984172.3), dbSNP rs34509421, ClinGen allele CA350856304.

ClinVar aggregate classification (germline): Likely pathogenic (1 of 4 stars; one submission).

Conditions:
Autosomal recessive Alport syndrome (ATS2). Also called: ALPORT SYNDROME 2, AUTOSOMAL RECESSIVE; Alport syndrome type 2; COL4A4 Alport Syndrome and Thin Basement Membrane Nephropathy; COL4A3-Related Nephropathy. Identifiers: Orphanet 63, Orphanet 88919, MedGen C4746745, MONDO:0008762, OMIM 203780.

Submission:

Myriad Genetics, Inc.
Classification: Likely pathogenic for Autosomal recessive Alport syndrome. Last evaluated: 2019-12-29. Review status: criteria provided, single submitter. Criteria: Myriad Women's Health Autosomal Recessive and X-Linked Classification Criteria (2019). Collection method: clinical testing. Allele origin: unknown.
Comment: NM_000092.4(COL4A4):c.948T>A(Y316*) is expected to be pathogenic in the context of COL4A4-related Alport syndrome. This variant is predicted to lead to an abnormal or absent protein product due to the creation of a premature termination codon in COL4A4, a gene where loss-of-function variants are known to be pathogenic. Please note: this variant was assessed in the context of healthy population screening.